The following is an entry in ClinVar:

NM_000069.3(CACNA1S):c.399-14C>T

Gene: CACNA1S (calcium voltage-gated channel subunit alpha1 S; minus strand). Cytogenetic location: 1q32.1.
Variant type: single nucleotide variant.
Coding change: c.399-14C>T on transcript NM_000069.3 (MANE Select); 14 bases into the intron before coding-DNA position 399, C replaced by T.
Molecular consequence: intron variant.
Genome position (GRCh38, 1-based): chr1:201,092,128, G>A on the plus strand (C>T on the coding strand, the complement: CACNA1S is on the minus strand). VCF-style: chr1-201092128-G-A. GRCh37 (hg19) VCF-style: chr1-201061256-G-A.
Identifiers: ClinVar variation 254836 (VCV000254836.18), dbSNP rs116534514, ClinGen allele CA083024.
Genomic context (GRCh38, chr1:201,092,128, plus strand): 5'-TGTGGCTTTGGATGACGTTAACCTGTTCCAGAATCACGGTGAAGACCCTAGAATGGAGAA[G>A]AGGGAGAGAGGGGGTCCAGGGGTTGGAAAAGCCACTGCCCCAGTGGTCTGAGGCCCTGTG-3'

ClinVar aggregate classification (germline): Benign/Likely benign. Review status: criteria provided, multiple submitters, no conflicts (2 of 4 stars). 12 submissions from 9 submitters: Benign (11); Likely benign (1). Last evaluated 2026-01-27.

Conditions:
Congenital myopathy 18. Also called: Myopathy, congenital, due to dihydropyridine receptor defect; DIHYDROPYRIDINE RECEPTOR CONGENITAL MYOPATHY; DHPR CONGENITAL MYOPATHY. Identifiers: MedGen C5830283, MONDO:0859514, OMIM 620246.
Hypokalemic periodic paralysis, type 1. Also called: Hypokalemic Periodic Paralysis Type 1 (AD); HypoPP. Identifiers: Orphanet 681, MedGen C3714580, MONDO:0042979, OMIM 170400.
Malignant hyperthermia, susceptibility to, 5 (MHS5). Also called: CACNA1S-Related Malignant Hyperthermia Susceptibility. Identifiers: Orphanet 423, MedGen C1866077, MONDO:0011163, OMIM 601887.
Thyrotoxic periodic paralysis, susceptibility to, 1 (TTPP1). Identifiers: Orphanet 79102, MedGen C2749982, MONDO:0008570, OMIM 188580.

Allele frequency attached by ClinVar (database versions not stated): TOPMed 0.00606; ESP Exome Variant Server 0.00738; 1000 Genomes Project 30x 0.00297; 1000 Genomes Project 0.00300; gnomAD 0.00538 and 0.00590.

Submissions (12):

Labcorp Genetics (formerly Invitae), Labcorp
Classification: Benign for Hypokalemic periodic paralysis, type 1; Malignant hyperthermia, susceptibility to, 5. Last evaluated: 2026-01-27. Review status: criteria provided, single submitter. Criteria: Invitae Variant Classification Sherloc (09022015). Collection method: clinical testing. Allele origin: germline.

Blueprint Genetics
Classification: Likely benign. Last evaluated: 2024-11-25. Review status: criteria provided, single submitter. Criteria: ACMG Guidelines, 2015. Collection method: clinical testing. Allele origin: germline.

All of Us Research Program, National Institutes of Health
Classification: Benign for Malignant hyperthermia, susceptibility to, 5. Last evaluated: 2024-02-05. Review status: criteria provided, single submitter. Criteria: ACMG Guidelines, 2015. Collection method: clinical testing. Allele origin: germline. Inheritance: Autosomal dominant inheritance. Observed: 343 variant alleles, 341 heterozygotes, 2 homozygotes.
Comment: This study involves interpretation of variants in research participants for the purpose of population health screening. Participant phenotype was not available at the time of variant classification. Additional details can be found in publication PMID: 35346344, PMCID: PMC8962531

ARUP Laboratories, Molecular Genetics and Genomics, ARUP Laboratories
Classification: Benign. Last evaluated: 2023-10-14. Review status: criteria provided, single submitter. Criteria: ARUP Molecular Germline Variant Investigation Process 2024. Collection method: clinical testing. Allele origin: germline.

Genome-Nilou Lab
Classification: Benign for Malignant hyperthermia, susceptibility to, 5. Last evaluated: 2023-04-11. Review status: criteria provided, single submitter. Criteria: ACMG Guidelines, 2015. Collection method: clinical testing. Allele origin: germline. Affected: no.

Genome-Nilou Lab
Classification: Benign for Thyrotoxic periodic paralysis, susceptibility to, 1. Last evaluated: 2023-04-11. Review status: criteria provided, single submitter. Criteria: ACMG Guidelines, 2015. Collection method: clinical testing. Allele origin: germline. Affected: no.

Genome-Nilou Lab
Classification: Benign for Congenital myopathy 18. Last evaluated: 2023-04-11. Review status: criteria provided, single submitter. Criteria: ACMG Guidelines, 2015. Collection method: clinical testing. Allele origin: germline. Affected: no.

Genome-Nilou Lab
Classification: Benign for Hypokalemic periodic paralysis, type 1. Last evaluated: 2023-04-11. Review status: criteria provided, single submitter. Criteria: ACMG Guidelines, 2015. Collection method: clinical testing. Allele origin: germline. Affected: no.

Color Diagnostics, LLC DBA Color Health
Classification: Benign for Malignant hyperthermia, susceptibility to, 5. Last evaluated: 2022-08-17. Review status: criteria provided, single submitter. Criteria: ACMG Guidelines, 2015. Collection method: clinical testing. Allele origin: germline.

GeneDx
Classification: Benign. Last evaluated: 2018-02-05. Review status: criteria provided, single submitter. Criteria: GeneDx Variant Classification (06012015). Collection method: clinical testing. Allele origin: germline. Affected: yes.
Comment: This variant is considered likely benign or benign based on one or more of the following criteria: it is a conservative change, it occurs at a poorly conserved position in the protein, it is predicted to be benign by multiple in silico algorithms, and/or has population frequency not consistent with disease.

Illumina Laboratory Services, Illumina
Classification: Benign for Hypokalemic periodic paralysis, type 1. Last evaluated: 2018-01-13. Review status: criteria provided, single submitter. Criteria: ICSL Variant Classification Criteria 13 December 2019. Collection method: clinical testing. Allele origin: germline.
Comment: This variant was observed in the ICSL laboratory as part of a predisposition screen in an ostensibly healthy population. It had not been previously curated by ICSL or reported in the Human Gene Mutation Database (HGMD: prior to June 1st, 2018), and was therefore a candidate for classification through an automated scoring system. Utilizing variant allele frequency, disease prevalence and penetrance estimates, and inheritance mode, an automated score was calculated to assess if this variant is too frequent to cause the disease. Based on the score and internal cut-off values, a variant classified as benign is not then subjected to further curation. The score for this variant resulted in a classification of benign for this disease.

PreventionGenetics, part of Exact Sciences
Classification: Benign. Review status: criteria provided, single submitter. Criteria: ACMG Guidelines, 2015. Collection method: clinical testing. Allele origin: germline.